The following is an entry in ClinVar:

ClinVar aggregate classification (germline): Likely pathogenic (0 of 4 stars; one submission).

Conditions:
Pyruvate dehydrogenase E1-alpha deficiency (PDHAD). Also called: ATAXIA, INTERMITTENT, WITH PYRUVATE DEHYDROGENASE DEFICIENCY; ATAXIA WITH LACTIC ACIDOSIS I; ATAXIA, INTERMITTENT, WITH ABNORMAL PYRUVATE METABOLISM; Ataxia, intermittent, with pyruvate dehydrogenase, or decarboxylase, deficiency. Identifiers: Orphanet 79243, MedGen C1839413, MONDO:0010717, OMIM 312170.

Submission:

PDHA1 Study Group, University Children’s Hospital, Paracelsus Medical University
Classification: Likely pathogenic for Pyruvate dehydrogenase E1-alpha deficiency. Last evaluated: 2024-10-15. Review status: no assertion criteria provided. Collection method: research. Allele origin: germline. Affected: yes. Observed: 1 variant allele.
Comment: The NM_000284.3:c.224A>T (p.Glu75Val) substitution is a missense variant in PDHA1 gene. Last literature search: July 12, 2024. This variant is absent or extremely rare in population-based cohorts in the Genome Aggregation Database (gnomAD). Individuals harboring this variant presented with clinical features compatible with PDHA1-related PDHc deficiency. In summary, this variant meets criteria to be classified as likely pathogenic (LP) for PDHA1-related PDHc deficiency based on the ACMG/AMP criteria applied: PM1, PM2, PM5, PM7, PP3 (last assessment October 15, 2024).

Literature cited by the submitters: DOI 10.1093/brain/awaf430.

NM_000284.4(PDHA1):c.224A>T (p.Glu75Val)

Gene: PDHA1 (pyruvate dehydrogenase E1 subunit alpha 1; plus strand). Cytogenetic location: Xp22.12.
Variant type: single nucleotide variant.
Coding change: c.224A>T on transcript NM_000284.4 (MANE Select); coding-DNA position 224, A replaced by T.
Protein change: p.Glu75Val; replaces glutamic acid 75 with valine.
Molecular consequence: missense variant.
Genome position (GRCh38, 1-based): chrX:19,350,043, A>T. VCF-style: chrX-19350043-A-T. GRCh37 (hg19) VCF-style: chrX-19368161-A-T.
Other names: c.338A>T, p.Glu113Val (NM_001173454.2); c.224A>T, p.Glu75Val (NM_001173455.2, NM_001173456.2); short protein forms E113V, E75V.
Identifiers: ClinVar variation 4070300 (VCV004070300.1).